The following is an entry in ClinVar:

ClinVar aggregate classification (germline): Uncertain significance (1 of 4 stars; one submission).

Submission:

Athena Diagnostics
Classification: Uncertain significance. Last evaluated: 2025-01-03. Review status: criteria provided, single submitter. Criteria: Athena Diagnostics Criteria. Collection method: clinical testing. Allele origin: unknown.
Comment: Available data are insufficient to determine the clinical significance of the variant at this time. The frequency of this variant in the general population is uninformative in assessment of its pathogenicity. Polyphen and MutationTaster yielded discordant predictions regarding whether this amino acid change is damaging to the protein.

NM_018136.5(ASPM):c.3820C>A (p.Gln1274Lys)

Gene: ASPM (assembly factor for spindle microtubules; minus strand). Cytogenetic location: 1q31.3.
Variant type: single nucleotide variant.
Coding change: c.3820C>A on transcript NM_018136.5 (MANE Select); coding-DNA position 3820, C replaced by A.
Protein change: p.Gln1274Lys; replaces glutamine 1274 with lysine.
Molecular consequence: missense variant.
Genome position (GRCh38, 1-based): chr1:197,121,965, G>T on the plus strand (C>A on the coding strand, the complement: ASPM is on the minus strand). VCF-style: chr1-197121965-G-T. GRCh37 (hg19) VCF-style: chr1-197091095-G-T.
Other names: c.3820C>A, p.Gln1274Lys (NM_001206846.2); short protein forms Q1274K.
Identifiers: ClinVar variation 4682244 (VCV004682244.1).